The following is an entry in ClinVar:

ClinVar aggregate classification (germline): Pathogenic/Likely pathogenic. Review status: criteria provided, multiple submitters, no conflicts (2 of 4 stars). 6 submissions from 6 submitters: Pathogenic (5); Likely pathogenic (1). Last evaluated 2026-09-18.

Conditions:
Niemann-Pick disease, type C1. Also called: NEUROVISCERAL STORAGE DISEASE WITH VERTICAL SUPRANUCLEAR OPHTHALMOPLEGIA; NIEMANN-PICK DISEASE WITH CHOLESTEROL ESTERIFICATION BLOCK; NIEMANN-PICK DISEASE WITHOUT SPHINGOMYELINASE DEFICIENCY; NIEMANN-PICK DISEASE, CHRONIC NEURONOPATHIC FORM; NIEMANN-PICK DISEASE, VARIANT TYPE C1. Identifiers: Orphanet 646, MedGen C3179455, MONDO:0009757, OMIM 257220.
NPC1-related disorder. Also called: NPC1-related condition.
Inborn genetic diseases. Identifiers: MedGen C0950123, MeSH D030342.
Niemann-Pick disease, type C (NPC). Identifiers: Orphanet 646, MedGen C0220756, MONDO:0018982.

Allele frequency attached by ClinVar (database versions not stated): ExAC 0.00007.
gnomAD v4.1: 94 of 1,610,672 alleles (0.0058%); highest among the groups gnomAD compares: Non-Finnish European, 0.0076%; no homozygotes.

Submissions (6):

PreventionGenetics, part of Exact Sciences
Classification: Pathogenic for NPC1-related condition. Last evaluated: 2026-09-18. Review status: criteria provided, single submitter. Criteria: ACMG Guidelines, 2015. Collection method: clinical testing. Allele origin: germline.
Comment: The NPC1 c.1843C>T variant is predicted to result in the amino acid substitution p.Arg615Cys. This variant was reported in the homozygous or compound heterozygous states in multiple individuals with Niemann-Pick disease type C (Table S1, Park et al. 2003. PubMed ID: 12955717; Imrie et al. 2015. PubMed ID: 26666848; Havla et al. 2020. PubMed ID: 32222928; Table S7, Stranneheim et al. 2021. PubMed ID: 33726816). This variant is reported in 0.011% of alleles in individuals of East Asian descent in gnomAD. This variant is interpreted as pathogenic.

Women's Health and Genetics/Laboratory Corporation of America, LabCorp
Classification: Pathogenic for Niemann-Pick disease, type C. Last evaluated: 2025-09-15. Review status: criteria provided, single submitter. Criteria: LabCorp Variant Classification Summary - May 2015. Collection method: clinical testing. Allele origin: germline.
Comment: Variant summary: NPC1 c.1843C>T (p.Arg615Cys) results in a non-conservative amino acid change located in the Domian C (lumenal domain, Gong_2016) of the encoded protein sequence. Algorithms developed to predict the effect of missense changes on protein structure and function all suggest that this variant is likely to be disruptive. The variant allele was found at a frequency of 5.2e-05 in 251472 control chromosomes. This frequency is not significantly higher than estimated for disease-causing variants in NPC1, allowing no conclusion about variant significance. c.1843C>T has been reported in the literature in individuals affected with Niemann-Pick Disease Type C (Imrie_2006, Imrie_2015, Nadjar_2018, Havla_2020). These data indicate that the variant is very likely to be associated with disease. To our knowledge, no experimental evidence demonstrating an impact on protein function has been reported. The following publications have been ascertained in the context of this evaluation (PMID: 27928380, 27238017, 32222928, 26666848, 17160617, 30285904, 12955717, 15465421). ClinVar contains an entry for this variant (Variation ID: 566223). Based on the evidence outlined above, the variant was classified as pathogenic.

Labcorp Genetics (formerly Invitae), Labcorp
Classification: Pathogenic for Niemann-Pick disease, type C1. Last evaluated: 2025-07-28. Review status: criteria provided, single submitter. Criteria: Invitae Variant Classification Sherloc (09022015). Collection method: clinical testing. Allele origin: germline.
Comment: This sequence change replaces arginine, which is basic and polar, with cysteine, which is neutral and slightly polar, at codon 615 of the NPC1 protein (p.Arg615Cys). This variant is present in population databases (rs745777805, gnomAD 0.01%). This missense change has been observed in individuals with Niemann-Pick disease type C (PMID: 26666848). ClinVar contains an entry for this variant (Variation ID: 566223). Invitae Evidence Modeling of protein sequence and biophysical properties (such as structural, functional, and spatial information, amino acid conservation, physicochemical variation, residue mobility, and thermodynamic stability) indicates that this missense variant is expected to disrupt NPC1 protein function with a positive predictive value of 95%. This variant disrupts the p.Arg615 amino acid residue in NPC1. Other variant(s) that disrupt this residue have been observed in individuals with NPC1-related conditions (PMID: 17160617), which suggests that this may be a clinically significant amino acid residue. For these reasons, this variant has been classified as Pathogenic.

Natera, Inc.
Classification: Pathogenic for Niemann-Pick disease type C1. Last evaluated: 2025-01-24. Review status: criteria provided, single submitter. Criteria: Natera Variant Classification Schema (03/2026). Collection method: clinical testing. Allele origin: germline.
Comment: The c.1843C>T variant in NPC1 is a missense variant predicted to cause substitution of arginine to cysteine at amino acid 615. This variant is rare in the general population with a frequency below the threshold expected for the associated phenotype(s). This variant has been observed in one or more individuals affected with the associated recessive disease, as either homozygous or compound heterozygous with a second variant (PMID: 26666848, 30285904, 17160617, 32222928, 33726816). Additionally, this variant has been observed to segregate in affected family members (PMID: 26666848). A different variant at the same position has been determined to be Pathogenic or Likely Pathogenic. Computational prediction algorithms indicate this variant is likely to affect gene or protein function. Given the available evidence, this variant is classified as Pathogenic.

Ambry Genetics
Classification: Pathogenic for Inborn genetic diseases. Last evaluated: 2021-05-18. Review status: criteria provided, single submitter. Criteria: Ambry Variant Classification Scheme 2023. Collection method: clinical testing. Allele origin: germline.
Comment: The c.1843C>T (p.R615C) alteration is located in coding exon 12 of the NPC1 gene. This alteration results from a C to T substitution at nucleotide position 1843, causing the arginine (R) at amino acid position 615 to be replaced by a cysteine (C). Based on data from the Genome Aggregation Database (gnomAD) database, the NPC1 c.1843C>T alteration was observed in 0.005% (13/251,472) of total alleles studied, with a frequency of 0.011% (2/18,394) in the East Asian subpopulation. This alteration has been reported in multiple unrelated patients with Niemann-Pick type C, confirmed by abnormal filipin staining and/or abnormal cholesterol esterification (Park, 2003; Imrie, 2015; Nadjar, 2018; Havla, 2020). This amino acid position is highly conserved in available vertebrate species. The p.R615C alteration is predicted to be deleterious by in silico analysis. Based on the available evidence, this alteration is classified as pathogenic.

Centre for Inherited Metabolic Diseases, Karolinska University Hospital
Classification: Likely pathogenic for Niemann-Pick disease, type C1. Last evaluated: 2021-04-07. Review status: criteria provided, single submitter. Criteria: ACMG Guidelines, 2015. Collection method: clinical testing. Allele origin: germline. Inheritance: Autosomal recessive inheritance. Affected: yes. Observed: 1 variant allele.

Literature cited by the submitters: PubMed 12955717 (cited by Women's Health and Genetics/Laboratory Corporation of America, LabCorp and Ambry Genetics); PubMed 17160617 (cited by 3 submitters); PubMed 26666848 (cited by 4 submitters); PubMed 27928380 (cited by Women's Health and Genetics/Laboratory Corporation of America, LabCorp and Ambry Genetics); PubMed 27238017 (cited by Women's Health and Genetics/Laboratory Corporation of America, LabCorp); PubMed 30285904 (cited by 3 submitters); PubMed 15465421 (cited by Women's Health and Genetics/Laboratory Corporation of America, LabCorp); PubMed 32222928 (cited by 3 submitters); PubMed 33726816 (cited by Natera, Inc.).

NM_000271.5(NPC1):c.1843C>T (p.Arg615Cys)

Gene: NPC1 (NPC intracellular cholesterol transporter 1; minus strand). Cytogenetic location: 18q11.2.
Variant type: single nucleotide variant.
Coding change: c.1843C>T on transcript NM_000271.5 (MANE Select); coding-DNA position 1843, C replaced by T.
Protein change: p.Arg615Cys; replaces arginine 615 with cysteine.
Molecular consequence: missense variant.
Genome position (GRCh38, 1-based): chr18:23,545,064, G>A on the plus strand (C>T on the coding strand, the complement: NPC1 is on the minus strand). VCF-style: chr18-23545064-G-A. GRCh37 (hg19) VCF-style: chr18-21125028-G-A.
Other names: short protein forms R615C.
Identifiers: ClinVar variation 566223 (VCV000566223.18), dbSNP rs745777805, ClinGen allele CA8913361.
Genomic context (GRCh38, chr18:23,545,064, plus strand): 5'-TATATAGAAACATGATGGCATAGCTAATTACAACGGTGAAGACATCACTGTCACTTTCAC[G>A]ATTTAGTTCATCTTCAATACTTCGTTCAGCAGTGAAGGAAATGGTCAGATTGGGATTCTT-3'
Protein context (NP_000262.2, residues 605-625): AERSIEDELN[Arg615Cys]ESDSDVFTVV